The following is an entry in ClinVar:

NM_001377229.1(DISP1):c.3566A>G (p.His1189Arg)

Gene: DISP1 (dispatched RND transporter family member 1; plus strand). Cytogenetic location: 1q41.
Variant type: single nucleotide variant.
Coding change: c.3566A>G on transcript NM_001377229.1 (MANE Select); coding-DNA position 3566, A replaced by G.
Protein change: p.His1189Arg; replaces histidine 1189 with arginine.
Molecular consequence: missense variant.
Genome position (GRCh38, 1-based): chr1:223,004,963, A>G. VCF-style: chr1-223004963-A-G. GRCh37 (hg19) VCF-style: chr1-223178305-A-G.
Other names: c.3566A>G, p.His1189Arg (NM_032890.5, NM_001369594.1, NM_001377228.1); c.2837A>G, p.His946Arg (NM_001350630.2); short protein forms H1189R, H946R.
Identifiers: ClinVar variation 3664423 (VCV003664423.2).
Genomic context (GRCh38, chr1:223,004,963, plus strand): 5'-AAACACATACCATAAATGCTTATCATTTAGATCCCAGGGGCCCAAAATCTGAACTGGAGC[A>G]TGAGTTTTATGAATTAGAACCTCTGGCTTCCCACAGCTGCACTGCCCCTGAGAAGACCAC-3'
Protein context (NP_001364158.1, residues 1179-1199): DPRGPKSELE[His1189Arg]EFYELEPLAS

ClinVar aggregate classification (germline): Uncertain significance (1 of 4 stars; one submission).

gnomAD v4.1: 21 of 1,613,814 alleles (0.0013%); highest among the groups gnomAD compares: Non-Finnish European, 0.0018%; no homozygotes.

Submission:

Labcorp Genetics (formerly Invitae), Labcorp
Classification: Uncertain significance. Last evaluated: 2025-06-12. Review status: criteria provided, single submitter. Criteria: Invitae Variant Classification Sherloc (09022015). Collection method: clinical testing. Allele origin: germline.
Comment: This sequence change replaces histidine, which is basic and polar, with arginine, which is basic and polar, at codon 1189 of the DISP1 protein (p.His1189Arg). This variant is not present in population databases (gnomAD no frequency). This variant has not been reported in the literature in individuals affected with DISP1-related conditions. ClinVar contains an entry for this variant (Variation ID: 3664423). An algorithm developed to predict the effect of missense changes on protein structure and function outputs the following: PolyPhen-2: "Benign". The arginine amino acid residue is found in multiple mammalian species, which suggests that this missense change does not adversely affect protein function. In summary, the available evidence is currently insufficient to determine the role of this variant in disease. Therefore, it has been classified as a Variant of Uncertain Significance.